The following is an entry in ClinVar:

NM_002047.4(GARS1):c.311T>C (p.Val104Ala)

Gene: GARS1 (glycyl-tRNA synthetase 1; plus strand). Cytogenetic location: 7p14.3.
Variant type: single nucleotide variant.
Coding change: c.311T>C on transcript NM_002047.4 (MANE Select); coding-DNA position 311, T replaced by C.
Protein change: p.Val104Ala; replaces valine 104 with alanine.
Molecular consequence: missense variant.
Genome position (GRCh38, 1-based): chr7:30,598,884, T>C. VCF-style: chr7-30598884-T-C. GRCh37 (hg19) VCF-style: chr7-30638500-T-C.
Other names: c.149T>C, p.Val50Ala (NM_001316772.1); short protein forms V104A, V50A.
Identifiers: ClinVar variation 1935167 (VCV001935167.5), dbSNP rs2534286427, ClinGen allele CA367139032.

ClinVar aggregate classification (germline): Uncertain significance (1 of 4 stars; one submission).

Conditions:
Charcot-Marie-Tooth disease type 2. Also called: Charcot-Marie-Tooth type 2. Identifiers: Orphanet 64746, MedGen C0270914, MONDO:0018993.

Submission:

Labcorp Genetics (formerly Invitae), Labcorp
Classification: Uncertain significance for Charcot-Marie-Tooth disease type 2. Last evaluated: 2022-02-14. Review status: criteria provided, single submitter. Criteria: Invitae Variant Classification Sherloc (09022015). Collection method: clinical testing. Allele origin: germline.
Comment: In summary, the available evidence is currently insufficient to determine the role of this variant in disease. Therefore, it has been classified as a Variant of Uncertain Significance. Algorithms developed to predict the effect of missense changes on protein structure and function (SIFT, PolyPhen-2, Align-GVGD) all suggest that this variant is likely to be tolerated. This variant has not been reported in the literature in individuals affected with GARS-related conditions. This variant is not present in population databases (gnomAD no frequency). This sequence change replaces valine, which is neutral and non-polar, with alanine, which is neutral and non-polar, at codon 104 of the GARS protein (p.Val104Ala).